The following is an entry in ClinVar:

NM_020207.7(ERCC6L2):c.2188C>T (p.Gln730Ter)

Gene: ERCC6L2 (ERCC excision repair 6 like 2; plus strand). Cytogenetic location: 9q22.32.
Variant type: single nucleotide variant.
Coding change: c.2188C>T on transcript NM_020207.7 (MANE Select); coding-DNA position 2188, C replaced by T.
Protein change: p.Gln730Ter; replaces glutamine 730 with a stop codon.
Molecular consequence: nonsense. On other transcripts: non-coding transcript variant (1).
Genome position (GRCh38, 1-based): chr9:95,971,939, C>T. VCF-style: chr9-95971939-C-T. GRCh37 (hg19) VCF-style: chr9-98734221-C-T.
Other names: c.2188C>T, p.Gln730Ter (NM_001375292.1, NM_001375293.1, NM_001375294.1 and 1 more transcripts); short protein forms Q730*.
Identifiers: ClinVar variation 5018821 (VCV005018821.1).

ClinVar aggregate classification (germline): Likely pathogenic (1 of 4 stars; one submission).

Conditions:
Pancytopenia-developmental delay syndrome. Also called: Bone marrow failure syndrome 2. Identifiers: Orphanet 401764, MedGen C3810350, MONDO:0014317, OMIM 615715.

Submission:

Juno Genomics, Hangzhou Juno Genomics, Inc
Classification: Likely pathogenic for Pancytopenia-developmental delay syndrome. Review status: criteria provided, single submitter. Criteria: ACMG Guidelines, 2015. Collection method: clinical testing. Allele origin: germline. Affected: yes.
Comment: Absent from controls (or at extremely low frequency if recessive) in Genome Aggregation Database.;Null variant in a gene where loss of function (LOF) is a known mechanism of disease.